The following is an entry in ClinVar:

NM_018136.5(ASPM):c.9006A>G (p.Ala3002=)

Gene: ASPM (assembly factor for spindle microtubules; minus strand). Cytogenetic location: 1q31.3.
Variant type: single nucleotide variant.
Coding change: c.9006A>G on transcript NM_018136.5 (MANE Select); coding-DNA position 9006, A replaced by G.
Protein change: p.Ala3002=; no amino-acid change (alanine 3002 retained).
Molecular consequence: synonymous variant.
Genome position (GRCh38, 1-based): chr1:197,094,162, T>C on the plus strand (A>G on the coding strand, the complement: ASPM is on the minus strand). VCF-style: chr1-197094162-T-C. GRCh37 (hg19) VCF-style: chr1-197063292-T-C.
Other names: c.4251A>G, p.Ala1417= (NM_001206846.2).
Identifiers: ClinVar variation 387515 (VCV000387515.6), dbSNP rs143760252, ClinGen allele CA1309074.

ClinVar aggregate classification (germline): Likely benign. Review status: criteria provided, multiple submitters, no conflicts (2 of 4 stars). 3 submissions from 3 submitters: Likely benign (3). Last evaluated 2025-09-10.

Conditions:
Microcephaly 5, primary, autosomal recessive (MCPH5). Also called: ASPM Primary Microcephaly. Identifiers: Orphanet 2512, MedGen C1837501, MONDO:0012106, OMIM 608716.

Allele frequency attached by ClinVar (database versions not stated): gnomAD exomes 0.00003 and 0.00006; ExAC 0.00005; gnomAD 0.00025 and 0.00028; ESP Exome Variant Server 0.00031; TOPMed 0.00039.
gnomAD v4.1: 84 of 1,605,680 alleles (0.0052%); highest among the groups gnomAD compares: African/African-American, 0.087%; no homozygotes.

Submissions (3):

Labcorp Genetics (formerly Invitae), Labcorp
Classification: Likely benign. Last evaluated: 2025-09-10. Review status: criteria provided, single submitter. Criteria: Invitae Variant Classification Sherloc (09022015). Collection method: clinical testing. Allele origin: germline.

Genome-Nilou Lab
Classification: Likely benign for Microcephaly 5, primary, autosomal recessive. Last evaluated: 2023-04-11. Review status: criteria provided, single submitter. Criteria: ACMG Guidelines, 2015. Collection method: clinical testing. Allele origin: germline. Affected: no.

GeneDx
Classification: Likely benign. Last evaluated: 2016-07-07. Review status: criteria provided, single submitter. Criteria: GeneDx Variant Classification (06012015). Collection method: clinical testing. Allele origin: germline. Affected: yes.
Comment: This variant is considered likely benign or benign based on one or more of the following criteria: it is a conservative change, it occurs at a poorly conserved position in the protein, it is predicted to be benign by multiple in silico algorithms, and/or has population frequency not consistent with disease.